The following is an entry in ClinVar:

NM_001099857.5(IKBKG):c.1258T>C (p.Ter420Gln)

Gene: IKBKG (inhibitor of nuclear factor kappa B kinase regulatory subunit gamma; plus strand). Cytogenetic location: Xq28.
Variant type: single nucleotide variant.
Coding change: c.1258T>C on transcript NM_001099857.5 (MANE Select); coding-DNA position 1258, T replaced by C.
Protein change: p.Ter420Gln.
Molecular consequence: stop lost. On other transcripts: non-coding transcript variant (1).
Genome position (GRCh38, 1-based): chrX:154,564,459, T>C. VCF-style: chrX-154564459-T-C. GRCh37 (hg19) VCF-style: chrX-153792674-T-C.
Other names: *420Q; *419Q; *321Q; *488Q; c.1462T>C, p.Ter488Gln (NM_001099856.6); c.961T>C, p.Ter321Gln (NM_001145255.4); c.1258T>C, p.Ter420Gln (NM_001321396.3, NM_001377312.1, NM_003639.4); c.1255T>C, p.Ter419Gln (NM_001321397.3, NM_001377313.1); and 2 more.
Identifiers: ClinVar variation 418983 (VCV000418983.2), dbSNP rs1064793564, ClinGen allele CA16621264.

ClinVar aggregate classification (germline): Pathogenic (1 of 4 stars; one submission).

Submission:

GeneDx
Classification: Pathogenic. Last evaluated: 2018-09-04. Review status: criteria provided, single submitter. Criteria: GeneDx Variant Classification (06012015). Collection method: clinical testing. Allele origin: germline. Affected: yes.
Comment: The c.1258 T>C variant in the IKBKG gene has been reported previously in association with incontinentia pigmenti (Conte et al., 2014) and has also been observed to segregate with disease in a family tested at GeneDx.The nucleotide substitution destroys the Stop codon at position Stop 420, changes this codon to a Glutamine and creates a new Stop codon at position 27 of the new reading frame, denoted p.Ter420GlnextX27. The variant is not observed in large population cohorts (Lek et al., 2016).